The following is an entry in ClinVar:

ClinVar aggregate classification (germline): Uncertain significance (1 of 4 stars; one submission).

Allele frequency attached by ClinVar (database versions not stated): TOPMed below 0.00001; gnomAD 0.00001.
gnomAD v4.1: 1 of 1,588,512 alleles (0.000063%); highest among the groups gnomAD compares: Non-Finnish European, 0.000086%; no homozygotes.

Submission:

CeGaT Center for Human Genetics Tuebingen
Classification: Uncertain significance. Last evaluated: 2023-10-01. Review status: criteria provided, single submitter. Criteria: CeGaT Center For Human Genetics Tuebingen Variant Classification Criteria Version 2. Collection method: clinical testing. Allele origin: germline. Affected: yes. Observed: 1 variant allele.
Comment: ERCC3: PM2:Supporting, PP3

NM_000122.2(ERCC3):c.2064G>C (p.Lys688Asn)

Gene: ERCC3 (ERCC excision repair 3, TFIIH core complex helicase subunit; minus strand). Cytogenetic location: 2q14.3.
Variant type: single nucleotide variant.
Coding change: c.2064G>C on transcript NM_000122.2 (MANE Select); coding-DNA position 2064, G replaced by C.
Protein change: p.Lys688Asn; replaces lysine 688 with asparagine.
Molecular consequence: missense variant.
Genome position (GRCh38, 1-based): chr2:127,261,228, C>G on the plus strand (G>C on the coding strand, the complement: ERCC3 is on the minus strand). VCF-style: chr2-127261228-C-G. GRCh37 (hg19) VCF-style: chr2-128018804-C-G.
Other names: c.1872G>C, p.Lys624Asn (NM_001303416.2, NM_001303418.2); short protein forms K624N, K688N.
Identifiers: ClinVar variation 2651329 (VCV002651329.24), dbSNP rs1332898410, ClinGen allele CA348386125.